The following is an entry in ClinVar:

NM_014946.4(SPAST):c.683-15C>G

Gene: SPAST (spastin; plus strand). Cytogenetic location: 2p22.3.
Variant type: single nucleotide variant.
Coding change: c.683-15C>G on transcript NM_014946.4 (MANE Select); 15 bases into the intron before coding-DNA position 683, C replaced by G.
Molecular consequence: intron variant.
Genome position (GRCh38, 1-based): chr2:32,114,623, C>G. VCF-style: chr2-32114623-C-G. GRCh37 (hg19) VCF-style: chr2-32339692-C-G.
Other names: c.587-15C>G (NM_199436.2, NM_001377959.1); c.680-15C>G (NM_001363823.2); c.584-15C>G (NM_001363875.2).
Identifiers: ClinVar variation 931899 (VCV000931899.3), dbSNP rs1678752312, ClinGen allele CA1139656859.

ClinVar aggregate classification (germline): Uncertain significance (1 of 4 stars; one submission).

Conditions:
Hereditary spastic paraplegia 4. Also called: Spastic Paraplegia 4; Familial spastic paraplegia autosomal dominant 2; Spastic paraplegia 4, autosomal dominant. Identifiers: Orphanet 100985, MedGen C1866855, MONDO:0008438, OMIM 182601.

Submission:

Centre for Mendelian Genomics, University Medical Centre Ljubljana
Classification: Uncertain significance for Hereditary spastic paraplegia 4. Last evaluated: 2020-03-27. Review status: criteria provided, single submitter. Criteria: ACMG Guidelines, 2015. Collection method: clinical testing. Allele origin: unknown. Affected: yes.
Comment: This variant was classified as: Uncertain significance. The available evidence on this variant's pathogenicity is insufficient or conflicting. The following ACMG criteria were applied in classifying this variant: PM2,PS4-SUP.